The following is an entry in ClinVar:

ClinVar aggregate classification (germline): Conflicting classifications of pathogenicity. Review status: criteria provided, conflicting classifications (1 of 4 stars). 3 submissions from 3 submitters: Uncertain significance (2); Likely benign (1). Last evaluated 2024-09-20.

Conditions:
Cutis laxa, X-linked (OHS). Also called: Occipital horn syndrome; EDS IX. Identifiers: Orphanet 198, MedGen C0268353, MONDO:0010572, OMIM 304150.
X-linked distal spinal muscular atrophy type 3. Also called: ATP7A-Related Distal Motor Neuropathy; NEURONOPATHY, DISTAL HEREDITARY MOTOR, X-LINKED; NEUROPATHY, DISTAL HEREDITARY MOTOR, X-LINKED; SPINAL MUSCULAR ATROPHY, DISTAL, X-LINKED RECESSIVE. Identifiers: Orphanet 139557, MedGen C1845359, MONDO:0010338, OMIM 300489.
Menkes kinky-hair syndrome (MNK). Also called: Copper transport disease; Classic Menkes Disease; Menkes Disease. Identifiers: Orphanet 565, MedGen C0022716, MONDO:0010651, OMIM 309400.

Submissions (3):

3billion
Classification: Likely benign for Menkes kinky-hair syndrome; X-linked distal spinal muscular atrophy type 3; Cutis laxa, X-linked. Last evaluated: 2024-09-20. Review status: criteria provided, single submitter. Criteria: ACMG Guidelines, 2015. Collection method: clinical testing. Allele origin: germline. Affected: no.
Comment: The hemizygous variant was found in patients diagnosed with another variant in a different gene, with no symptoms related to the gene containing the hemizygous variant.

Blueprint Genetics
Classification: Uncertain significance. Last evaluated: 2024-08-01. Review status: criteria provided, single submitter. Criteria: ACMG Guidelines, 2015. Collection method: clinical testing. Allele origin: germline.

Labcorp Genetics (formerly Invitae), Labcorp
Classification: Uncertain significance for X-linked distal spinal muscular atrophy type 3; Cutis laxa, X-linked; Menkes kinky-hair syndrome. Last evaluated: 2023-10-13. Review status: criteria provided, single submitter. Criteria: Invitae Variant Classification Sherloc (09022015). Collection method: clinical testing. Allele origin: germline.
Comment: This sequence change replaces threonine, which is neutral and polar, with alanine, which is neutral and non-polar, at codon 376 of the ATP7A protein (p.Thr376Ala). This variant is not present in population databases (gnomAD no frequency). This variant has not been reported in the literature in individuals affected with ATP7A-related conditions. ClinVar contains an entry for this variant (Variation ID: 1347005). Advanced modeling of protein sequence and biophysical properties (such as structural, functional, and spatial information, amino acid conservation, physicochemical variation, residue mobility, and thermodynamic stability) performed at Invitae indicates that this missense variant is not expected to disrupt ATP7A protein function. In summary, the available evidence is currently insufficient to determine the role of this variant in disease. Therefore, it has been classified as a Variant of Uncertain Significance.

NM_000052.7(ATP7A):c.1126A>G (p.Thr376Ala)

Gene: ATP7A (ATPase copper transporting alpha; plus strand). Cytogenetic location: Xq21.1.
Variant type: single nucleotide variant.
Coding change: c.1126A>G on transcript NM_000052.7 (MANE Select); coding-DNA position 1126, A replaced by G.
Protein change: p.Thr376Ala; replaces threonine 376 with alanine.
Molecular consequence: missense variant.
Genome position (GRCh38, 1-based): chrX:77,989,748, A>G. VCF-style: chrX-77989748-A-G. GRCh37 (hg19) VCF-style: chrX-77245244-A-G.
Other names: c.1126A>G, p.Thr376Ala (NM_001282224.2); short protein forms T376A.
Identifiers: ClinVar variation 1347005 (VCV001347005.10), dbSNP rs782616685, ClinGen allele CA413601867.
Genomic context (GRCh38, chrX:77,989,748, plus strand): 5'-AACTCTCCCTCCAGCTCATCTCTTCAGAAGATTCCTTTGAATGTAGTTAGCCAGCCTCTG[A>G]CACAAGAAACTGTGATAAACATTGATGGCATGACTTGTAATTCCTGTGTGCAGTCTATTG-3'
Protein context (NP_000043.4, residues 366-386): IPLNVVSQPL[Thr376Ala]QETVINIDGM